The following is an entry in ClinVar:

NM_006096.4(NDRG1):c.*264C>G

Gene: NDRG1 (N-myc downstream regulated 1; minus strand). Cytogenetic location: 8q24.22.
Variant type: single nucleotide variant.
Coding change: c.*264C>G on transcript NM_006096.4 (MANE Select); 264 bases downstream of the stop codon, C replaced by G.
Molecular consequence: 3 prime UTR variant.
Genome position (GRCh38, 1-based): chr8:133,238,614, G>C on the plus strand (C>G on the coding strand, the complement: NDRG1 is on the minus strand). VCF-style: chr8-133238614-G-C. GRCh37 (hg19) VCF-style: chr8-134250857-G-C.
Other names: c.*264C>G (NM_001135242.2, NM_001258432.2, NM_001258433.2 and 4 more transcripts).
Identifiers: ClinVar variation 362025 (VCV000362025.9), dbSNP rs73711834, ClinGen allele CA10624867.

ClinVar aggregate classification (germline): Benign/Likely benign. Review status: criteria provided, multiple submitters, no conflicts (2 of 4 stars). 3 submissions from 3 submitters: Benign (1); Likely benign (2). Last evaluated 2018-08-14.

Conditions:
Charcot-Marie-Tooth disease type 4D. Also called: CHARCOT-MARIE-TOOTH DISEASE, DEMYELINATING, AUTOSOMAL RECESSIVE, TYPE 4D; NEUROPATHY, HEREDITARY MOTOR AND SENSORY, LOM TYPE; Charcot-Marie-Tooth Neuropathy Type 4D; CHARCOT-MARIE-TOOTH DISEASE, DEMYELINATING, TYPE 4D. Identifiers: Orphanet 99950, MedGen C1832334, MONDO:0011085, OMIM 601455.

Allele frequency attached by ClinVar (database versions not stated): gnomAD exomes 0.00288; 1000 Genomes Project 0.01977; 1000 Genomes Project 30x 0.02030; gnomAD 0.02109 and 0.02269; TOPMed 0.02394.
gnomAD v4.1: 4,390 of 554,058 alleles (0.79%); highest among the groups gnomAD compares: African/African-American, 7.1%; 130 homozygotes.

Submissions (3):

GeneDx
Classification: Benign. Last evaluated: 2018-08-14. Review status: criteria provided, single submitter. Criteria: GeneDx Variant Classification Process June 2021. Collection method: clinical testing. Allele origin: germline. Affected: yes.

Illumina Laboratory Services, Illumina
Classification: Likely benign for Charcot-Marie-Tooth disease type 4D. Last evaluated: 2017-04-27. Review status: criteria provided, single submitter. Criteria: ICSL Variant Classification Criteria 13 December 2019. Collection method: clinical testing. Allele origin: germline.
Comment: This variant was observed as part of a predisposition screen in an ostensibly healthy population. A literature search was performed for the gene, cDNA change, and amino acid change (where applicable). No publications were found based on this search. Allele frequency data from public databases allowed determination this variant is unlikely to cause disease. Therefore, this variant is classified as likely benign.

Breakthrough Genomics
Classification: Likely benign. Review status: criteria provided, single submitter. Criteria: ACMG Guidelines, 2015. Collection method: not provided. Allele origin: germline. Inheritance: Autosomal recessive inheritance. Affected: yes.